The following is an entry in ClinVar:

ClinVar aggregate classification (germline): Likely pathogenic. Review status: criteria provided, multiple submitters, no conflicts (2 of 4 stars). 2 submissions from 2 submitters: Likely pathogenic (2). Last evaluated 2025-08-15.

Conditions:
Oculocutaneous albinism. Identifiers: Orphanet 55, MedGen C0078918, MONDO:0018910.

gnomAD v4.1: 3 of 1,614,044 alleles (0.00019%); highest among the groups gnomAD compares: Non-Finnish European, 0.00025%; no homozygotes.

Submissions (2):

Labcorp Genetics (formerly Invitae), Labcorp
Classification: Likely pathogenic. Last evaluated: 2025-08-15. Review status: criteria provided, single submitter. Criteria: Invitae Variant Classification Sherloc (09022015). Collection method: clinical testing. Allele origin: germline.
Comment: This sequence change replaces lysine, which is basic and polar, with glutamic acid, which is acidic and polar, at codon 131 of the TYR protein (p.Lys131Glu). This variant is present in population databases (no rsID available, gnomAD 0.007%). This missense change has been observed in individual(s) with ocular albinism (PMID: 16098056). In at least one individual the data is consistent with being in trans (on the opposite chromosome) from a pathogenic variant. ClinVar contains an entry for this variant (Variation ID: 3768216). Invitae Evidence Modeling of protein sequence and biophysical properties (such as structural, functional, and spatial information, amino acid conservation, physicochemical variation, residue mobility, and thermodynamic stability) indicates that this missense variant is expected to disrupt TYR protein function with a positive predictive value of 95%. Experimental studies have shown that this missense change affects TYR function (PMID: 27537549). In summary, the currently available evidence indicates that the variant is pathogenic, but additional data are needed to prove that conclusively. Therefore, this variant has been classified as Likely Pathogenic.

Women's Health and Genetics/Laboratory Corporation of America, LabCorp
Classification: Likely pathogenic for Oculocutaneous albinism. Last evaluated: 2024-12-06. Review status: criteria provided, single submitter. Criteria: LabCorp Variant Classification Summary - May 2015. Collection method: clinical testing. Allele origin: germline.
Comment: Variant summary: TYR c.391A>G (p.Lys131Glu) results in a conservative amino acid change in the encoded protein sequence. Four of five in-silico tools predict a damaging effect of the variant on protein function. The frequency data for this variant in gnomAD is considered unreliable, as metrics indicate poor data quality at this position. c.391A>G has been reported in the literature in at-least one individual affected with Oculocutaneous Albinism (example: Miyamura_2005). At least one publication reports experimental evidence evaluating an impact on protein function. The most pronounced variant effect results in <10% of tyrosine hydroxylase and dopa oxidase activity (example: Mondal_2016). The following publications have been ascertained in the context of this evaluation (PMID: 16098056, 27537549). No submitters have cited clinical-significance assessments for this variant to ClinVar. Based on the evidence outlined above, the variant was classified as likely pathogenic.

Literature cited by the submitters: PubMed 16098056 (cited by Labcorp Genetics (formerly Invitae), Labcorp and Women's Health and Genetics/Laboratory Corporation of America, LabCorp); PubMed 27537549 (cited by Labcorp Genetics (formerly Invitae), Labcorp and Women's Health and Genetics/Laboratory Corporation of America, LabCorp).

NM_000372.5(TYR):c.391A>G (p.Lys131Glu)

Gene: TYR (tyrosinase; plus strand). Cytogenetic location: 11q14.3.
Variant type: single nucleotide variant.
Coding change: c.391A>G on transcript NM_000372.5 (MANE Select); coding-DNA position 391, A replaced by G.
Protein change: p.Lys131Glu; replaces lysine 131 with glutamic acid.
Molecular consequence: missense variant.
Genome position (GRCh38, 1-based): chr11:89,178,344, A>G. VCF-style: chr11-89178344-A-G. GRCh37 (hg19) VCF-style: chr11-88911512-A-G.
Other names: short protein forms K131E.
Identifiers: ClinVar variation 3768216 (VCV003768216.2).